The following is an entry in ClinVar:

NM_031310.3(PLVAP):c.34G>A (p.Ala12Thr)

Gene: PLVAP (plasmalemma vesicle associated protein; minus strand). Cytogenetic location: 19p13.11.
Variant type: single nucleotide variant.
Coding change: c.34G>A on transcript NM_031310.3 (MANE Select); coding-DNA position 34, G replaced by A.
Protein change: p.Ala12Thr; replaces alanine 12 with threonine.
Molecular consequence: missense variant.
Genome position (GRCh38, 1-based): chr19:17,377,255, C>T on the plus strand (G>A on the coding strand, the complement: PLVAP is on the minus strand). VCF-style: chr19-17377255-C-T. GRCh37 (hg19) VCF-style: chr19-17488064-C-T.
Other names: short protein forms A12T.
Identifiers: ClinVar variation 2714625 (VCV002714625.1), dbSNP rs201136194, ClinGen allele CA9294162.
Genomic context (GRCh38, chr19:17,377,255, plus strand): 5'-CGAAGAGGAAGAAGTAGCGCAGGTAATACCAGCAGCCCCGAGAGCTGCCCCCCGCCCGAG[C>T]GTAGGACCCTCCGTGCTCCATGGCCAGACCCATTTGCTCGATCCCGCCGTCCGGTGCACC-3'
Protein context (NP_112600.1, residues 2-22): GLAMEHGGSY[Ala12Thr]RAGGSSRGCW

ClinVar aggregate classification (germline): Uncertain significance (1 of 4 stars; one submission).

Allele frequency attached by ClinVar (database versions not stated): gnomAD 0.00003; gnomAD exomes 0.00005; TOPMed 0.00013; ExAC 0.00024.
gnomAD v4.1: 82 of 1,613,530 alleles (0.0051%); highest among the groups gnomAD compares: Admixed American, 0.1%; 1 homozygote.

Submission:

Labcorp Genetics (formerly Invitae), Labcorp
Classification: Uncertain significance. Last evaluated: 2023-09-15. Review status: criteria provided, single submitter. Criteria: Invitae Variant Classification Sherloc (09022015). Collection method: clinical testing. Allele origin: germline.
Comment: This sequence change replaces alanine, which is neutral and non-polar, with threonine, which is neutral and polar, at codon 12 of the PLVAP protein (p.Ala12Thr). This variant is present in population databases (rs201136194, gnomAD 0.2%). This variant has not been reported in the literature in individuals affected with PLVAP-related conditions. Advanced modeling of protein sequence and biophysical properties (such as structural, functional, and spatial information, amino acid conservation, physicochemical variation, residue mobility, and thermodynamic stability) performed at Invitae indicates that this missense variant is not expected to disrupt PLVAP protein function. In summary, the available evidence is currently insufficient to determine the role of this variant in disease. Therefore, it has been classified as a Variant of Uncertain Significance.